The following is an entry in ClinVar:

ClinVar aggregate classification (germline): Pathogenic (1 of 4 stars; one submission).

Conditions:
Alport syndrome. Also called: Hemorrhagic familial nephritis; Hemorrhagic hereditary nephritis; Congenital hereditary hematuria. Identifiers: Orphanet 63, MedGen C1567741, MONDO:0018965.

Submission:

Myriad Genetics, Inc.
Classification: Pathogenic for Alport syndrome. Last evaluated: 2025-11-19. Review status: criteria provided, single submitter. Criteria: Myriad Autosomal Dominant, Autosomal Recessive and X-Linked Classification Criteria (2023). Collection method: clinical testing. Allele origin: unknown.
Comment: NM_000092.4(COL4A4):c.3467_3470dupAGGG(D1158Gfs*33) is expected to be pathogenic in the context of Alport syndrome, COL4A4-related. This variant is predicted to lead to an abnormal or absent protein product due to the creation of a premature termination codon in COL4A4, a gene where loss-of-function variants are known to be pathogenic. Please note: this variant was assessed in the context of healthy population screening.

NM_000092.5(COL4A4):c.3467_3470dup (p.Asp1158fs)

Gene: COL4A4 (collagen type IV alpha 4 chain; minus strand). Cytogenetic location: 2q36.3.
Variant type: Duplication.
Coding change: c.3467_3470dup on transcript NM_000092.5 (MANE Select); coding-DNA positions 3467 to 3470, 4 bases duplicated (AGGG; older notation c.3467_3470dupAGGG).
Protein change: p.Asp1158fs; shifts the reading frame from aspartic acid 1158.
Molecular consequence: frameshift variant.
Genome position (GRCh38, 1-based): chr2:227,042,183-227,042,186, CCCT duplicated on the plus strand (AGGG on the coding strand, the reverse complement: COL4A4 is on the minus strand). VCF-style (leftmost placement, unchanged base first): chr2-227042182-C-CCCCT. GRCh37 (hg19) VCF-style: chr2-227906898-C-CCCCT.
Other names: short protein forms D1158fs.
Identifiers: ClinVar variation 5015235 (VCV005015235.1).
Genomic context (GRCh38, chr2:227,042,182, plus strand): 5'-GTGGGATGGGCTTCATTTTGACTTACCTTTTATTCCCGGAGGACCTGGTATCCCTGGATC[C>CCCCT]CCCTGGAGGCCTCTTGGCCCAGGGTCTCCCATTTCTCCTGGCTGTCCCCTCAGCCCAGGC-3'